The following is an entry in ClinVar:

NM_015041.3(CLUAP1):c.184C>T (p.Arg62Ter)

Gene: CLUAP1 (clusterin associated protein 1; plus strand). Cytogenetic location: 16p13.3.
Variant type: single nucleotide variant.
Coding change: c.184C>T on transcript NM_015041.3 (MANE Select); coding-DNA position 184, C replaced by T.
Protein change: p.Arg62Ter; replaces arginine 62 with a stop codon.
Molecular consequence: nonsense.
Genome position (GRCh38, 1-based): chr16:3,506,380, C>T. VCF-style: chr16-3506380-C-T. GRCh37 (hg19) VCF-style: chr16-3556380-C-T.
Other names: c.184C>T, p.Arg62Ter (NM_001330454.2); short protein forms R62*.
Identifiers: ClinVar variation 3003099 (VCV003003099.3), dbSNP rs775975564, ClinGen allele CA7863638.
Genomic context (GRCh38, chr16:3,506,380, plus strand): 5'-TCTCTTGATAGATATGAGCCCCAGACTGACATCCCGCCTGACGTGGATACTGAACAGGAC[C>T]GAGTTTTCTTCATTAAGGCAATTGCCCAGTTCATGGTTAGTGGACACTTATTTTGTGGAG-3'

ClinVar aggregate classification (germline): Uncertain significance (1 of 4 stars; one submission).

Allele frequency attached by ClinVar (database versions not stated): gnomAD 0.00001; TOPMed 0.00001; ExAC 0.00002; gnomAD exomes 0.00002.
gnomAD v4.1: 35 of 1,614,030 alleles (0.0022%); highest among the groups gnomAD compares: Non-Finnish European, 0.0027%; no homozygotes.

Submission:

Labcorp Genetics (formerly Invitae), Labcorp
Classification: Uncertain significance. Last evaluated: 2022-11-19. Review status: criteria provided, single submitter. Criteria: Invitae Variant Classification Sherloc (09022015). Collection method: clinical testing. Allele origin: germline.
Comment: This variant has not been reported in the literature in individuals affected with CLUAP1-related conditions. In summary, the available evidence is currently insufficient to determine the role of this variant in disease. Therefore, it has been classified as a Variant of Uncertain Significance. This sequence change creates a premature translational stop signal (p.Arg62*) in the CLUAP1 gene. It is expected to result in an absent or disrupted protein product. However, the current clinical and genetic evidence is not sufficient to establish whether loss-of-function variants in CLUAP1 cause disease. This variant is present in population databases (rs775975564, gnomAD 0.002%).